The following is an entry in ClinVar:

ClinVar aggregate classification (germline): Pathogenic/Likely pathogenic. Review status: criteria provided, multiple submitters, no conflicts (2 of 4 stars). 3 submissions from 3 submitters: Pathogenic (2); Likely pathogenic (1). Last evaluated 2026-02-10.

Conditions:
Myopathy caused by variation in FKTN. Identifiers: MedGen CN305638, MONDO:0700067.
Walker-Warburg congenital muscular dystrophy. Also called: Muscular dystrophy-dystroglycanopathy, type A; Walker-Warburg syndrome. Identifiers: Orphanet 899, MedGen C0265221, MONDO:0000171.

Submissions (3):

Myriad Genetics, Inc.
Classification: Pathogenic for Myopathy caused by variation in FKTN. Last evaluated: 2026-02-10. Review status: criteria provided, single submitter. Criteria: Myriad Autosomal Dominant, Autosomal Recessive and X-Linked Classification Criteria (2023). Collection method: clinical testing. Allele origin: unknown.
Comment: NM_001079802.1(FKTN):c.82_83insGT(Y28Cfs*38) is a frameshift variant classified as pathogenic in the context of FKTN-related disorders. Y28Cfs*38 has not been observed in cases with relevant disease. Relevant functional assessments of this variant are not available in the literature. Y28Cfs*38 has not been observed in referenced population frequency databases. In summary, NM_001079802.1(FKTN):c.82_83insGT(Y28Cfs*38) is a frameshift variant in a gene where loss of function is a known mechanism of disease and is predicted to disrupt protein function. Please note: this variant was assessed in the context of healthy population screening.

Natera, Inc.
Classification: Likely pathogenic for Walker-Warburg congenital muscular dystrophy. Last evaluated: 2024-07-29. Review status: criteria provided, single submitter. Criteria: Natera Variant Classification Schema (03/2026). Collection method: clinical testing. Allele origin: germline.
Comment: The c.82_83insGT variant in FKTN is a frameshift variant predicted to shift the reading frame beginning at codon 28 and leads to a stop codon 38 codons downstream. This variant is expected to result in nonsense mediated decay, truncation, or a dysfunctional protein product. This variant is rare in the general population with a frequency below the threshold expected for the associated phenotype(s). Given the available evidence, this variant is classified as Likely Pathogenic.

Labcorp Genetics (formerly Invitae), Labcorp
Classification: Pathogenic for Walker-Warburg congenital muscular dystrophy. Last evaluated: 2023-07-13. Review status: criteria provided, single submitter. Criteria: Invitae Variant Classification Sherloc (09022015). Collection method: clinical testing. Allele origin: germline.
Comment: This sequence change creates a premature translational stop signal (p.Tyr28Cysfs*38) in the FKTN gene. It is expected to result in an absent or disrupted protein product. Loss-of-function variants in FKTN are known to be pathogenic (PMID: 17044012, 17878207, 18752264). This variant is not present in population databases (gnomAD no frequency). This variant has not been reported in the literature in individuals affected with FKTN-related conditions. For these reasons, this variant has been classified as Pathogenic.

Literature cited by the submitters: PubMed 17044012 (cited by Labcorp Genetics (formerly Invitae), Labcorp); PubMed 17878207 (cited by Labcorp Genetics (formerly Invitae), Labcorp); PubMed 18752264 (cited by Labcorp Genetics (formerly Invitae), Labcorp).

NM_001079802.2(FKTN):c.82_83insGT (p.Tyr28fs)

Gene: FKTN (fukutin; plus strand). Cytogenetic location: 9q31.2.
Variant type: Insertion.
Coding change: c.82_83insGT on transcript NM_001079802.2 (MANE Select); coding-DNA positions 82 to 83, GT inserted.
Protein change: p.Tyr28fs; shifts the reading frame from tyrosine 28.
Molecular consequence: frameshift variant. On other transcripts: 5 prime UTR variant (5), non-coding transcript variant (2).
Genome position: GRCh38 VCF-style: chr9-105575113-C-CTG. GRCh37 (hg19) VCF-style: chr9-108337394-C-CTG.
Other names: c.82_83insGT, p.Tyr28fs (NM_001198963.2, NM_001351496.2, NM_001351498.2 and 1 more transcripts); c.-86_-85insGT (NM_001351497.2); c.-433_-432insGT (NM_001351499.2, NM_001351500.2, NM_001351501.2 and 1 more transcripts); short protein forms Y28fs.
Identifiers: ClinVar variation 2908517 (VCV002908517.5), dbSNP rs2538818350, ClinGen allele CA2739264905.
Genomic context (GRCh38, chr9:105,575,113, plus strand): 5'-CGTGGTTTTGGCCCTTTTAACGCTGACAAGTTCTGCATTTCTGCTGTTTCAGTTGTACTA[C>CTG]TACAAGCACTATTTATCAACAAAGGTAATTTTATTCCTTCTTTCTTATCATTCCTCCTTT-3'